The following is an entry in ClinVar:

ClinVar aggregate classification (germline): Uncertain significance (1 of 4 stars; one submission).

gnomAD v4.1: 4 of 1,614,048 alleles (0.00025%); highest among the groups gnomAD compares: Non-Finnish European, 0.00034%; no homozygotes.

Submission:

GeneDx
Classification: Uncertain significance. Last evaluated: 2025-12-23. Review status: criteria provided, single submitter. Criteria: GeneDx Variant Classification Process June 2021. Collection method: clinical testing. Allele origin: germline.
Comment: Not observed at significant frequency in large population cohorts (gnomAD); In silico analysis supports that this missense variant has a deleterious effect on protein structure/function; Has not been previously published as pathogenic or benign to our knowledge

NM_000474.4(TWIST1):c.530A>T (p.Tyr177Phe)

Genes: TWIST1 (twist family bHLH transcription factor 1; minus strand), LOC129998021 (ATAC-STARR-seq lymphoblastoid active region 25682; plus strand). Cytogenetic location: 7p21.1.
Variant type: single nucleotide variant.
Coding change: c.530A>T on transcript NM_000474.4 (MANE Select); coding-DNA position 530, A replaced by T.
Protein change: p.Tyr177Phe; replaces tyrosine 177 with phenylalanine.
Molecular consequence: missense variant. On other transcripts: non-coding transcript variant (1).
Genome position (GRCh38, 1-based): chr7:19,116,792, T>A on the plus strand (A>T on the coding strand, the complement: TWIST1 is on the minus strand). VCF-style: chr7-19116792-T-A. GRCh37 (hg19) VCF-style: chr7-19156415-T-A.
Other names: short protein forms Y177F.
Identifiers: ClinVar variation 3774228 (VCV003774228.2).